The following is an entry in ClinVar:

NM_005076.5(CNTN2):c.1405C>A (p.Pro469Thr)

Gene: CNTN2 (contactin 2; plus strand). Cytogenetic location: 1q32.1.
Variant type: single nucleotide variant.
Coding change: c.1405C>A on transcript NM_005076.5 (MANE Select); coding-DNA position 1405, C replaced by A.
Protein change: p.Pro469Thr; replaces proline 469 with threonine.
Molecular consequence: missense variant. On other transcripts: non-coding transcript variant (1).
Genome position (GRCh38, 1-based): chr1:205,064,636, C>A. VCF-style: chr1-205064636-C-A. GRCh37 (hg19) VCF-style: chr1-205033764-C-A.
Other names: c.1405C>A, p.Pro469Thr (NM_001346083.2); c.1405C>A (NM_005076.4); short protein forms P469T.
Identifiers: ClinVar variation 474462 (VCV000474462.23), dbSNP rs147693556, ClinGen allele CA1351378.

ClinVar aggregate classification (germline): Conflicting classifications of pathogenicity. Review status: criteria provided, conflicting classifications (1 of 4 stars). 6 submissions from 6 submitters: Uncertain significance (3); Likely benign (2). 1 of the submissions does not count toward it. Last evaluated 2026-02-03.

Conditions:
Epilepsy, familial adult myoclonic, 5 (EPEO5). Also called: CORTICAL MYOCLONIC TREMOR WITH EPILEPSY, FAMILIAL, 5. Identifiers: Orphanet 86814, MedGen C3809374, MONDO:0014167, OMIM 615400.
CNTN2-related disorder. Also called: CNTN2-related condition.

Allele frequency attached by ClinVar (database versions not stated): 1000 Genomes Project 0.00140; 1000 Genomes Project 30x 0.00141; gnomAD 0.00144 and 0.00148; ESP Exome Variant Server 0.00154; ExAC 0.00170; TOPMed 0.00209.
gnomAD v4.1: 3,361 of 1,614,168 alleles (0.21%); highest among the groups gnomAD compares: Middle Eastern, 0.68%; 11 homozygotes.

Submissions (6):

Labcorp Genetics (formerly Invitae), Labcorp
Classification: Likely benign for Epilepsy, familial adult myoclonic, 5. Last evaluated: 2026-02-03. Review status: criteria provided, single submitter. Criteria: Invitae Variant Classification Sherloc (09022015). Collection method: clinical testing. Allele origin: germline.

Women's Health and Genetics/Laboratory Corporation of America, LabCorp
Classification: Likely benign. Last evaluated: 2025-11-14. Review status: criteria provided, single submitter. Criteria: LabCorp Variant Classification Summary - May 2015. Collection method: clinical testing. Allele origin: germline.
Comment: Variant summary: CNTN2 c.1405C>A (p.Pro469Thr) results in a non-conservative amino acid change in the encoded protein sequence. Algorithms developed to predict the effect of missense changes on protein structure and function are either unavailable or do not agree on the potential impact of this missense change. The variant allele was found at a frequency of 0.0018 in 251302 control chromosomes, predominantly at a frequency of 0.0027 within the Non-Finnish European subpopulation in the gnomAD database. The observed variant frequency within Non-Finnish European control individuals in the gnomAD database exceeds the estimated maximal expected allele frequency for disease-causing variants in CNTN2. To our knowledge, no occurrence of c.1405C>A in individuals affected with CNTN2-related conditions and no experimental evidence demonstrating its impact on protein function have been reported. ClinVar contains an entry for this variant (Variation ID: 474462). Based on the evidence outlined above, the variant was classified as likely benign.

Revvity Omics, Revvity
Classification: Uncertain significance for Epilepsy, familial adult myoclonic, 5. Last evaluated: 2019-06-06. Review status: criteria provided, single submitter. Criteria: ACMG Guidelines, 2015. Collection method: clinical testing. Allele origin: germline.

Fulgent Genetics
Classification: Uncertain significance for Epilepsy, familial adult myoclonic, 5. Last evaluated: 2018-10-31. Review status: criteria provided, single submitter. Criteria: ACMG Guidelines, 2015. Collection method: clinical testing. Allele origin: unknown.

Mayo Clinic Laboratories, Mayo Clinic
Classification: Uncertain significance for Epilepsy, familial adult myoclonic, 5. Last evaluated: 2017-06-19. Review status: criteria provided, single submitter. Criteria: ACMG Guidelines, 2015. Collection method: clinical testing. Allele origin: paternal.

PreventionGenetics, part of Exact Sciences
Classification: Likely benign for CNTN2-related condition. Last evaluated: 2023-04-11. Review status: no assertion criteria provided. Collection method: clinical testing. Allele origin: germline. Not counted in ClinVar's aggregate classification.
Comment: This variant is classified as likely benign based on ACMG/AMP sequence variant interpretation guidelines (Richards et al. 2015 PMID: 25741868, with internal and published modifications).